The following is an entry in ClinVar:

NM_021628.3(ALOXE3):c.-300C>G

Genes: ALOXE3 (arachidonate epidermal lipoxygenase 3; minus strand), LOC126862485 (CDK7 strongly-dependent group 2 enhancer GRCh37_chr17:8020998-8022197; plus strand). Cytogenetic location: 17p13.1.
Variant type: single nucleotide variant.
Coding change: c.-300C>G on transcript NM_021628.3 (MANE Select); 300 bases upstream of the start codon, C replaced by G.
Molecular consequence: 5 prime UTR variant. On other transcripts: missense variant (1).
Genome position (GRCh38, 1-based): chr17:8,118,290, G>C on the plus strand (C>G on the coding strand, the complement: ALOXE3 is on the minus strand). VCF-style: chr17-8118290-G-C. GRCh37 (hg19) VCF-style: chr17-8021608-G-C.
Other names: c.97C>G, p.Pro33Ala (NM_001165960.1); c.-300C>G (NM_001369446.1); short protein forms P33A.
Identifiers: ClinVar variation 325982 (VCV000325982.8), dbSNP rs3027229, ClinGen allele CA8368582.
Genomic context (GRCh38, chr17:8,118,290, plus strand): 5'-TTGTTTGCTTGCCTCTGACACAGCCGGTCCCTCTGGCTGGCTCACCCAGATGGATATCAG[G>C]AGCCTGGGTTCCACTGCGGAGGGAGGGATCAGATGCTGAGATGGAGAAAAGGAGGTAACG-3'

ClinVar aggregate classification (germline): Benign. Review status: criteria provided, multiple submitters, no conflicts (2 of 4 stars). 3 submissions from 3 submitters: Benign (3). Last evaluated 2018-11-10.

Conditions:
Autosomal recessive congenital ichthyosis 3 (ARCI3). Also called: ICHTHYOSIS, LAMELLAR, 5. Identifiers: MedGen C3539888, MONDO:0011680, OMIM 606545.

Allele frequency attached by ClinVar (database versions not stated): 1000 Genomes Project 0.14357; 1000 Genomes Project 30x 0.14897; gnomAD exomes 0.10319; TOPMed 0.14913; gnomAD 0.14510 and 0.14234; ExAC 0.12975.
gnomAD v4.1: 161,553 of 1,551,620 alleles (10%); highest among the groups gnomAD compares: African/African-American, 27%; 9,849 homozygotes.

Submissions (3):

GeneDx
Classification: Benign. Last evaluated: 2018-11-10. Review status: criteria provided, single submitter. Criteria: GeneDx Variant Classification Process June 2021. Collection method: clinical testing. Allele origin: germline. Affected: yes.

Illumina Laboratory Services, Illumina
Classification: Benign for Autosomal recessive congenital ichthyosis 3. Last evaluated: 2018-01-13. Review status: criteria provided, single submitter. Criteria: ICSL Variant Classification Criteria 13 December 2019. Collection method: clinical testing. Allele origin: germline.
Comment: This variant was observed in the ICSL laboratory as part of a predisposition screen in an ostensibly healthy population. It had not been previously curated by ICSL or reported in the Human Gene Mutation Database (HGMD: prior to June 1st, 2018), and was therefore a candidate for classification through an automated scoring system. Utilizing variant allele frequency, disease prevalence and penetrance estimates, and inheritance mode, an automated score was calculated to assess if this variant is too frequent to cause the disease. Based on the score and internal cut-off values, a variant classified as benign is not then subjected to further curation. The score for this variant resulted in a classification of benign for this disease.

Breakthrough Genomics
Classification: Benign. Review status: criteria provided, single submitter. Criteria: ACMG Guidelines, 2015. Collection method: not provided. Allele origin: germline. Inheritance: Autosomal recessive inheritance. Affected: yes.